The following is an entry in ClinVar:

ClinVar aggregate classification (germline): Uncertain significance. Review status: criteria provided, multiple submitters, no conflicts (2 of 4 stars). 2 submissions from 2 submitters: Uncertain significance (2). Last evaluated 2025-01-26.

Conditions:
Hereditary cancer-predisposing syndrome. Also called: Hereditary Cancer Syndrome; Tumor predisposition; Hereditary neoplastic syndrome; Neoplastic Syndromes, Hereditary. Identifiers: Orphanet 140162, MedGen C0027672, MeSH D009386, MONDO:0015356.

gnomAD v4.1: 1 of 1,612,976 alleles (0.000062%); highest among the groups gnomAD compares: Non-Finnish European, 0.000085%; no homozygotes.

Submissions (2):

Labcorp Genetics (formerly Invitae), Labcorp
Classification: Uncertain significance. Last evaluated: 2025-01-26. Review status: criteria provided, single submitter. Criteria: Invitae Variant Classification Sherloc (09022015). Collection method: clinical testing. Allele origin: germline.
Comment: This sequence change replaces proline, which is neutral and non-polar, with leucine, which is neutral and non-polar, at codon 740 of the MSH3 protein (p.Pro740Leu). This variant is not present in population databases (gnomAD no frequency). This variant has not been reported in the literature in individuals affected with MSH3-related conditions. ClinVar contains an entry for this variant (Variation ID: 3398783). An algorithm developed to predict the effect of missense changes on protein structure and function (PolyPhen-2) suggests that this variant is likely to be disruptive. In summary, the available evidence is currently insufficient to determine the role of this variant in disease. Therefore, it has been classified as a Variant of Uncertain Significance.

Ambry Genetics
Classification: Uncertain significance for Hereditary cancer-predisposing syndrome. Last evaluated: 2024-12-06. Review status: criteria provided, single submitter. Criteria: Ambry Variant Classification Scheme 2023. Collection method: clinical testing. Allele origin: germline.
Comment: The p.P740L variant (also known as c.2219C>T), located in coding exon 15 of the MSH3 gene, results from a C to T substitution at nucleotide position 2219. The proline at codon 740 is replaced by leucine, an amino acid with similar properties. This amino acid position is conserved. In addition, the in silico prediction for this alteration is inconclusive. Based on the available evidence, the clinical significance of this variant remains unclear.

NM_002439.5(MSH3):c.2219C>T (p.Pro740Leu)

Gene: MSH3 (mutS homolog 3; plus strand). Cytogenetic location: 5q14.1.
Variant type: single nucleotide variant.
Coding change: c.2219C>T on transcript NM_002439.5 (MANE Select); coding-DNA position 2219, C replaced by T.
Protein change: p.Pro740Leu; replaces proline 740 with leucine.
Molecular consequence: missense variant.
Genome position (GRCh38, 1-based): chr5:80,768,969, C>T. VCF-style: chr5-80768969-C-T. GRCh37 (hg19) VCF-style: chr5-80064788-C-T.
Other names: short protein forms P740L.
Identifiers: ClinVar variation 3398783 (VCV003398783.3).